The following is an entry in ClinVar:

ClinVar aggregate classification (germline): Uncertain significance (1 of 4 stars; one submission).

Submission:

Labcorp Genetics (formerly Invitae), Labcorp
Classification: Uncertain significance. Last evaluated: 2023-08-04. Review status: criteria provided, single submitter. Criteria: Invitae Variant Classification Sherloc (09022015). Collection method: clinical testing. Allele origin: germline.
Comment: This sequence change replaces glutamine, which is neutral and polar, with proline, which is neutral and non-polar, at codon 256 of the MESP2 protein (p.Gln256Pro). In summary, the available evidence is currently insufficient to determine the role of this variant in disease. Therefore, it has been classified as a Variant of Uncertain Significance. Advanced modeling of protein sequence and biophysical properties (such as structural, functional, and spatial information, amino acid conservation, physicochemical variation, residue mobility, and thermodynamic stability) performed at Invitae indicates that this missense variant is not expected to disrupt MESP2 protein function. ClinVar contains an entry for this variant (Variation ID: 2157085). This variant has not been reported in the literature in individuals affected with MESP2-related conditions. This variant is not present in population databases (gnomAD no frequency).

NM_001039958.2(MESP2):c.767A>C (p.Gln256Pro)

Gene: MESP2 (mesoderm posterior bHLH transcription factor 2; plus strand). Cytogenetic location: 15q26.1.
Variant type: single nucleotide variant.
Coding change: c.767A>C on transcript NM_001039958.2 (MANE Select); coding-DNA position 767, A replaced by C.
Protein change: p.Gln256Pro; replaces glutamine 256 with proline.
Molecular consequence: missense variant.
Genome position (GRCh38, 1-based): chr15:89,777,124, A>C. VCF-style: chr15-89777124-A-C. GRCh37 (hg19) VCF-style: chr15-90320355-A-C.
Other names: short protein forms Q256P.
Identifiers: ClinVar variation 2157085 (VCV002157085.4), dbSNP rs373252966, ClinGen allele CA274596908.
Genomic context (GRCh38, chr15:89,777,124, plus strand): 5'-TGGGGAGGGGGGTCCACGACACGGATCCCTGGGCAACACCCCCTTACTGCCCCAAGATAC[A>C]GTCGCCCCCGTATTCGTCCCAAGGGACAACCTCCGACGCGTCTCTTTGGACGCCACCCCA-3'
Protein context (NP_001035047.1, residues 246-266): WATPPYCPKI[Gln256Pro]SPPYSSQGTT